The following is an entry in ClinVar:

ClinVar aggregate classification (germline): Conflicting classifications of pathogenicity. Review status: criteria provided, conflicting classifications (1 of 4 stars). 3 submissions from 3 submitters: Uncertain significance (1); Likely benign (2). Last evaluated 2026-05-01.

Conditions:
Generalized epilepsy-paroxysmal dyskinesia syndrome (PNKD3). Also called: Generalized epilepsy and paroxysmal dyskinesia; Paroxysmal nonkinesigenic dyskinesia, 3, with or without generalized epilepsy. Identifiers: Orphanet 79137, MedGen C5574945, MONDO:0012276, OMIM 609446.

Allele frequency attached by ClinVar (database versions not stated): gnomAD exomes 0.00010 and 0.00011; gnomAD 0.00011; ExAC 0.00013; TOPMed 0.00015.
gnomAD v4.1: 159 of 1,523,860 alleles (0.01%); highest among the groups gnomAD compares: Middle Eastern, 0.019%; no homozygotes.

Submissions (3):

CeGaT Center for Human Genetics Tuebingen
Classification: Likely benign. Last evaluated: 2026-05-01. Review status: criteria provided, single submitter. Criteria: CeGaT Center For Human Genetics Tuebingen Variant Classification Criteria Version 2. Collection method: clinical testing. Allele origin: germline. Affected: yes. Observed: 4 variant alleles.
Comment: KCNMA1: BP4, BP7

Labcorp Genetics (formerly Invitae), Labcorp
Classification: Likely benign for Generalized epilepsy-paroxysmal dyskinesia syndrome. Last evaluated: 2025-05-19. Review status: criteria provided, single submitter. Criteria: Invitae Variant Classification Sherloc (09022015). Collection method: clinical testing. Allele origin: germline.

Eurofins Ntd Llc (ga)
Classification: Uncertain significance. Last evaluated: 2015-09-21. Review status: criteria provided, single submitter. Criteria: EGL Classification Definitions 2015. Collection method: clinical testing. Allele origin: germline. Observed: 1 variant allele, 1 heterozygote.

NM_001161352.2(KCNMA1):c.24C>T (p.Gly8=)

Gene: KCNMA1 (potassium calcium-activated channel subfamily M alpha 1; minus strand). Cytogenetic location: 10q22.3.
Variant type: single nucleotide variant.
Coding change: c.24C>T on transcript NM_001161352.2 (MANE Select); coding-DNA position 24, C replaced by T.
Protein change: p.Gly8=; no amino-acid change (glycine 8 retained).
Molecular consequence: synonymous variant.
Genome position (GRCh38, 1-based): chr10:77,637,619, G>A on the plus strand (C>T on the coding strand, the complement: KCNMA1 is on the minus strand). VCF-style: chr10-77637619-G-A. GRCh37 (hg19) VCF-style: chr10-79397377-G-A.
Other names: c.24C>T, p.Gly8= (NM_001014797.3, NM_001161353.2, NM_001271518.2 and 12 more transcripts).
Identifiers: ClinVar variation 283121 (VCV000283121.46), dbSNP rs748427000, ClinGen allele CA5568828.